The following is an entry in ClinVar:

NM_000257.4(MYH7):c.4254G>C (p.Lys1418Asn)

Gene: MYH7 (myosin heavy chain 7; minus strand). Cytogenetic location: 14q11.2.
Variant type: single nucleotide variant.
Coding change: c.4254G>C on transcript NM_000257.4 (MANE Select); coding-DNA position 4254, G replaced by C.
Protein change: p.Lys1418Asn; replaces lysine 1418 with asparagine.
Molecular consequence: missense variant.
Genome position (GRCh38, 1-based): chr14:23,417,602, C>G on the plus strand (G>C on the coding strand, the complement: MYH7 is on the minus strand). VCF-style: chr14-23417602-C-G. GRCh37 (hg19) VCF-style: chr14-23886811-C-G.
Other names: c.4254G>C, p.Lys1418Asn (NM_001407004.1); short protein forms K1418N.
Identifiers: ClinVar variation 4758163 (VCV004758163.1).

ClinVar aggregate classification (germline): Uncertain significance (1 of 4 stars; one submission).

Conditions:
Cardiomyopathy (CMYO). Also called: Cardiomyopathies. Identifiers: Orphanet 167848, MedGen C0878544, MONDO:0004994, HP:0001638. Inheritance: Various modes of inheritance.

Submission:

Color Diagnostics, LLC DBA Color Health
Classification: Uncertain significance for Cardiomyopathy. Last evaluated: 2025-10-05. Review status: criteria provided, single submitter. Criteria: ACMG Guidelines, 2015. Collection method: clinical testing. Allele origin: germline.
Comment: This missense variant replaces lysine with asparagine at codon 1418 of the MYH7 protein. Computational prediction suggests that this variant may have deleterious impact on protein structure and function. To our knowledge, functional studies have not been reported for this variant. This variant has not been reported in individuals affected with MYH7-related disorders in the literature. This variant has not been identified in the general population by the Genome Aggregation Database (gnomAD). The available evidence is insufficient to determine the role of this variant in disease conclusively. Therefore, this variant is classified as a Variant of Uncertain Significance.